The following is an entry in ClinVar:

ClinVar aggregate classification (germline): Uncertain significance (1 of 4 stars; one submission).

Conditions:
Epidermolysis bullosa simplex 5B, with muscular dystrophy (EBS5B). Also called: EPIDERMOLYSIS BULLOSA SIMPLEX AND LIMB-GIRDLE MUSCULAR DYSTROPHY; Epidermolysis bullosa simplex with muscular dystrophy. Identifiers: Orphanet 257, MedGen C2931072, MONDO:0009181, OMIM 226670.
Epidermolysis bullosa simplex 5C, with pyloric atresia (EBS5C). Also called: PLEC1-Related Epidermolysis Bullosa with Pyloric Atresia; PLEC-Related Epidermolysis Bullosa with Pyloric Atresia; Epidermolysis bullosa simplex with pyloric atresia. Identifiers: Orphanet 158684, MedGen C2677349, MONDO:0012807, OMIM 612138.
Epidermolysis bullosa simplex, Ogna type (EBS5A). Also called: Pidermolysis bullosa simplex 5A, Ogna type; EPIDERMOLYSIS BULLOSA SIMPLEX 5A, OGNA TYPE. Identifiers: Orphanet 79401, MedGen C0432317, MONDO:0007555, OMIM 131950.
Autosomal recessive limb-girdle muscular dystrophy type 2Q (LGMDR17). Also called: MUSCULAR DYSTROPHY, LIMB-GIRDLE, AUTOSOMAL RECESSIVE 17. Identifiers: Orphanet 254361, MedGen C3150989, MONDO:0013390, OMIM 613723.
Epidermolysis bullosa simplex with nail dystrophy (EBS5D). Identifiers: MedGen C4225309, MONDO:0014661, OMIM 616487.

Allele frequency attached by ClinVar (database versions not stated): gnomAD 0.00001; TOPMed 0.00002.

Submission:

Labcorp Genetics (formerly Invitae), Labcorp
Classification: Uncertain significance for Autosomal recessive limb-girdle muscular dystrophy type 2Q; Epidermolysis bullosa simplex, Ogna type; Epidermolysis bullosa simplex with nail dystrophy; Epidermolysis bullosa simplex 5C, with pyloric atresia; Epidermolysis bullosa simplex 5B, with muscular dystrophy. Last evaluated: 2022-12-15. Review status: criteria provided, single submitter. Criteria: Invitae Variant Classification Sherloc (09022015). Collection method: clinical testing. Allele origin: germline.
Comment: This sequence change falls in intron 8 of the PLEC gene. It does not directly change the encoded amino acid sequence of the PLEC protein. It affects a nucleotide within the consensus splice site. This variant is present in population databases (no rsID available, gnomAD 0.008%). This variant has not been reported in the literature in individuals affected with PLEC-related conditions. ClinVar contains an entry for this variant (Variation ID: 1495006). Variants that disrupt the consensus splice site are a relatively common cause of aberrant splicing (PMID: 17576681, 9536098). Algorithms developed to predict the effect of sequence changes on RNA splicing suggest that this variant is not likely to affect RNA splicing. In summary, the available evidence is currently insufficient to determine the role of this variant in disease. Therefore, it has been classified as a Variant of Uncertain Significance.

Literature cited by the submitters: PubMed 17576681; PubMed 9536098.

NM_201384.3(PLEC):c.718+4C>T

Gene: PLEC (plectin; minus strand). Cytogenetic location: 8q24.3.
Variant type: single nucleotide variant.
Coding change: c.718+4C>T on transcript NM_201384.3 (MANE Select); 4 bases into the intron after coding-DNA position 718, C replaced by T.
Molecular consequence: intron variant.
Genome position (GRCh38, 1-based): chr8:143,935,194, G>A on the plus strand (C>T on the coding strand, the complement: PLEC is on the minus strand). VCF-style: chr8-143935194-G-A. GRCh37 (hg19) VCF-style: chr8-145009362-G-A.
Other names: c.799+4C>T (NM_000445.5); c.676+4C>T (NM_201378.4); c.652+4C>T (NM_201379.3); c.1129+4C>T (NM_201380.4); c.622+4C>T (NM_201381.3); c.718+4C>T (NM_201382.4); c.730+4C>T (NM_201383.3).
Identifiers: ClinVar variation 1495006 (VCV001495006.6), dbSNP rs946680945, ClinGen allele CA187623766.
Genomic context (GRCh38, chr8:143,935,194, plus strand): 5'-CTCAGCGGTGGCTCTGGGGCAGGCAGCAGGGGAAGGGACAGGGAGGAAGGCCACGCAGAC[G>A]TACCCTCAGGGTCCAGGAGCCGCGTCACTCCCAGGTCCCGCTCCGCCACAGAGAAGGCCT-3'